The following is an entry in ClinVar:

NM_000377.3(WAS):c.1270_1295del (p.Gly424fs)

Gene: WAS (WASP actin nucleation promoting factor; plus strand). Cytogenetic location: Xp11.23.
Variant type: Deletion.
Coding change: c.1270_1295del on transcript NM_000377.3 (MANE Select); coding-DNA positions 1270 to 1295, 26 bases deleted (GGCCTGGCCCCTGGTGGGGGTCGGGG).
Protein change: p.Gly424fs; shifts the reading frame from glycine 424.
Molecular consequence: frameshift variant.
Genome position (GRCh38, 1-based): chrX:48,688,998-48,689,023, GGCCTGGCCCCTGGTGGGGGTCGGGG deleted; deleting any 26 consecutive bases within chrX:48,688,995-48,689,023 gives the same sequence; the c. name uses the placement nearest the transcript's 3' end. VCF-style (leftmost placement, unchanged base first): chrX-48688994-CGGGGGCCTGGCCCCTGGTGGGGGTCG-C. GRCh37 (hg19) VCF-style: chrX-48547383-CGGGGGCCTGGCCCCTGGTGGGGGTCG-C.
Other names: short protein forms G424fs.
Identifiers: ClinVar variation 1683506 (VCV001683506.2), dbSNP rs2147266901, ClinGen allele CA2573158943.

ClinVar aggregate classification (germline): Likely pathogenic (1 of 4 stars; one submission).

Conditions:
Wiskott-Aldrich syndrome (WAS). Also called: ALDRICH SYNDROME; IMMUNODEFICIENCY 2; Wiskott-aldrich syndrome, somatic; WISKOTT-ALDRICH SYNDROME 1. Identifiers: Orphanet 906, MedGen C0043194, MONDO:0010518, OMIM 301000.

Submission:

Laboratorio de Genetica e Diagnostico Molecular, Hospital Israelita Albert Einstein
Classification: Likely pathogenic for Wiskott-Aldrich syndrome. Last evaluated: 2021-06-07. Review status: criteria provided, single submitter. Criteria: ACMG Guidelines, 2015. Collection method: clinical testing. Allele origin: germline. Affected: yes.
Comment: ACMG classification criteria: PVS1 very strong, PM2